The following is an entry in ClinVar:

NM_000520.6(HEXA):c.141G>C (p.Gln47His)

Gene: HEXA (hexosaminidase subunit alpha; minus strand). Cytogenetic location: 15q23.
Variant type: single nucleotide variant.
Coding change: c.141G>C on transcript NM_000520.6 (MANE Select); coding-DNA position 141, G replaced by C.
Protein change: p.Gln47His; replaces glutamine 47 with histidine.
Molecular consequence: missense variant. On other transcripts: non-coding transcript variant (1).
Genome position (GRCh38, 1-based): chr15:72,375,832, C>G on the plus strand (G>C on the coding strand, the complement: HEXA is on the minus strand). VCF-style: chr15-72375832-C-G. GRCh37 (hg19) VCF-style: chr15-72668173-C-G.
Other names: c.141G>C, p.Gln47His (NM_001318825.2); short protein forms Q47H.
Identifiers: ClinVar variation 2169073 (VCV002169073.1), dbSNP rs2542581949, ClinGen allele CA393070420.

ClinVar aggregate classification (germline): Uncertain significance (1 of 4 stars; one submission).

Conditions:
Tay-Sachs disease (TSD). Also called: GM2 gangliosidosis, type 1; Hexosaminidase alpha-subunit deficiency (variant B); Sphingolipidosis, Tay-Sachs; Hexosaminidase A Deficiency; HEXA DEFICIENCY; HEXA Disorders. Identifiers: Orphanet 845, MedGen C0039373, MONDO:0010100, OMIM 272800.

gnomAD v4.1: 2 of 1,614,252 alleles (0.00012%); highest among the groups gnomAD compares: South Asian, 0.0022%; no homozygotes.

Submission:

Labcorp Genetics (formerly Invitae), Labcorp
Classification: Uncertain significance for Tay-Sachs disease. Last evaluated: 2021-08-26. Review status: criteria provided, single submitter. Criteria: Invitae Variant Classification Sherloc (09022015). Collection method: clinical testing. Allele origin: germline.
Comment: This sequence change replaces glutamine with histidine at codon 47 of the HEXA protein (p.Gln47His). The glutamine residue is weakly conserved and there is a small physicochemical difference between glutamine and histidine. This variant is not present in population databases (ExAC no frequency). This variant has not been reported in the literature in individuals affected with HEXA-related conditions. Algorithms developed to predict the effect of missense changes on protein structure and function (SIFT, PolyPhen-2, Align-GVGD) all suggest that this variant is likely to be tolerated. In summary, the available evidence is currently insufficient to determine the role of this variant in disease. Therefore, it has been classified as a Variant of Uncertain Significance.